The following is an entry in ClinVar:

NM_020738.4(KIDINS220):c.2370+4C>A

Gene: KIDINS220 (kinase D interacting substrate 220; minus strand). Cytogenetic location: 2p25.1.
Variant type: single nucleotide variant.
Coding change: c.2370+4C>A on transcript NM_020738.4 (MANE Select); 4 bases into the intron after coding-DNA position 2370, C replaced by A.
Molecular consequence: intron variant.
Genome position (GRCh38, 1-based): chr2:8,779,670, G>T on the plus strand (C>A on the coding strand, the complement: KIDINS220 is on the minus strand). VCF-style: chr2-8779670-G-T. GRCh37 (hg19) VCF-style: chr2-8919800-G-T.
Other names: c.2370+4C>A (NM_001348741.2, NM_001348738.2, NM_001348742.2 and 3 more transcripts); c.2373+4C>A (NM_001348739.2, NM_001348740.2, NM_001348734.2 and 3 more transcripts); c.2244+4C>A (NM_001348736.2).
Identifiers: ClinVar variation 3616654 (VCV003616654.2).

ClinVar aggregate classification (germline): Uncertain significance (1 of 4 stars; one submission).

gnomAD v4.1: 2 of 1,612,058 alleles (0.00012%); highest among the groups gnomAD compares: Non-Finnish European, 0.000085%; no homozygotes.

Submission:

Labcorp Genetics (formerly Invitae), Labcorp
Classification: Uncertain significance. Last evaluated: 2024-05-02. Review status: criteria provided, single submitter. Criteria: Invitae Variant Classification Sherloc (09022015). Collection method: clinical testing. Allele origin: germline.
Comment: This sequence change falls in intron 18 of the KIDINS220 gene. It does not directly change the encoded amino acid sequence of the KIDINS220 protein. It affects a nucleotide within the consensus splice site. This variant is not present in population databases (gnomAD no frequency). This variant has not been reported in the literature in individuals affected with KIDINS220-related conditions. Variants that disrupt the consensus splice site are a relatively common cause of aberrant splicing (PMID: 17576681, 9536098). Algorithms developed to predict the effect of sequence changes on RNA splicing suggest that this variant is not likely to affect RNA splicing. In summary, the available evidence is currently insufficient to determine the role of this variant in disease. Therefore, it has been classified as a Variant of Uncertain Significance.

Literature cited by the submitters: PubMed 17576681; PubMed 9536098.